The following is an entry in ClinVar:

NM_052872.4(IL17F):c.392G>A (p.Arg131Gln)

Gene: IL17F (interleukin 17F; minus strand). Cytogenetic location: 6p12.2.
Variant type: single nucleotide variant.
Coding change: c.392G>A on transcript NM_052872.4 (MANE Select); coding-DNA position 392, G replaced by A.
Protein change: p.Arg131Gln; replaces arginine 131 with glutamine.
Molecular consequence: missense variant.
Genome position (GRCh38, 1-based): chr6:52,237,031, C>T on the plus strand (G>A on the coding strand, the complement: IL17F is on the minus strand). VCF-style: chr6-52237031-C-T. GRCh37 (hg19) VCF-style: chr6-52101829-C-T.
Other names: short protein forms R131Q.
Identifiers: ClinVar variation 852457 (VCV000852457.10), dbSNP rs764026426, ClinGen allele CA3854360.
Genomic context (GRCh38, chr6:52,237,031, plus strand): 5'-CCAACAGTCACCAGCACCTTCTCCAACTGGAAAGAAACAGAGCAGCCTTGGTGCTTCCTC[C>T]GGACGACCAGGGTCTCTTGCTGGATGGGAACGGAATTCATGGAGATGTCTTCCTTTCCTT-3'
Protein context (NP_443104.1, residues 121-141): VPIQQETLVV[Arg131Gln]RKHQGCSVSF

ClinVar aggregate classification (germline): Uncertain significance. Review status: criteria provided, multiple submitters, no conflicts (2 of 4 stars). 2 submissions from 2 submitters: Uncertain significance (2). Last evaluated 2025-03-26.

Conditions:
Candidiasis, familial, 6 (CANDF6). Also called: Candidiasis, familial, 6, autosomal dominant. Identifiers: Orphanet 1334, MedGen C3151405, MONDO:0013503, OMIM 613956.

Allele frequency attached by ClinVar (database versions not stated): gnomAD exomes 0.00001 and 0.00003; TOPMed 0.00001; gnomAD 0.00002; ExAC 0.00004.
gnomAD v4.1: 24 of 1,614,110 alleles (0.0015%); highest among the groups gnomAD compares: Admixed American, 0.005%; no homozygotes.

Submissions (2):

Labcorp Genetics (formerly Invitae), Labcorp
Classification: Uncertain significance for Candidiasis, familial, 6. Last evaluated: 2025-03-26. Review status: criteria provided, single submitter. Criteria: Invitae Variant Classification Sherloc (09022015). Collection method: clinical testing. Allele origin: germline.
Comment: This sequence change replaces arginine, which is basic and polar, with glutamine, which is neutral and polar, at codon 131 of the IL17F protein (p.Arg131Gln). This variant is present in population databases (rs764026426, gnomAD 0.01%). This variant has not been reported in the literature in individuals affected with IL17F-related conditions. ClinVar contains an entry for this variant (Variation ID: 852457). An algorithm developed to predict the effect of missense changes on protein structure and function outputs the following: PolyPhen-2: "Probably Damaging". The glutamine amino acid residue is found in multiple mammalian species, which suggests that this missense change does not adversely affect protein function. In summary, the available evidence is currently insufficient to determine the role of this variant in disease. Therefore, it has been classified as a Variant of Uncertain Significance.

Neuberg Centre For Genomic Medicine, NCGM
Classification: Uncertain significance for Candidiasis, familial, 6. Review status: criteria provided, single submitter. Criteria: ACMG Guidelines, 2015. Collection method: clinical testing. Allele origin: germline. Inheritance: Autosomal dominant inheritance. Affected: yes.
Comment: The missense variant c.392G>A (p.Arg131Gln) in IL17F gene has has been submitted to ClinVar as a Variant of Uncertain Significance (VUS). The p.Arg131Gln variant is reported with the allele frequency (0.003%) in the gnomAD Exomes and is novel (not in any individuals) in 1000 Genomes. The amino acid Arg at position 131 is changed to a Gln changing protein sequence and it might alter its composition and physico-chemical properties. The variant is predicted to be damaging by PolyPhen2 and the residue is conserved across species. The amino acid change p.Arg131Gln in IL17F is predicted as conserved by GERP++ and PhyloP across 100 vertebrates. For these reasons, this variant has been classified as Variant of Uncertain Significance (VUS).